The following is an entry in ClinVar:

NM_000520.6(HEXA):c.848C>T (p.Pro283Leu)

Gene: HEXA (hexosaminidase subunit alpha; minus strand). Cytogenetic location: 15q23.
Variant type: single nucleotide variant.
Coding change: c.848C>T on transcript NM_000520.6 (MANE Select); coding-DNA position 848, C replaced by T.
Protein change: p.Pro283Leu; replaces proline 283 with leucine.
Molecular consequence: missense variant. On other transcripts: non-coding transcript variant (1).
Genome position (GRCh38, 1-based): chr15:72,349,217, G>A on the plus strand (C>T on the coding strand, the complement: HEXA is on the minus strand). VCF-style: chr15-72349217-G-A. GRCh37 (hg19) VCF-style: chr15-72641558-G-A.
Other names: c.881C>T, p.Pro294Leu (NM_001318825.2); short protein forms P283L, P294L.
Identifiers: ClinVar variation 2903868 (VCV002903868.2), dbSNP rs1158668961, ClinGen allele CA393062610.
Genomic context (GRCh38, chr15:72,349,217, plus strand): 5'-GTGCTCATGAACTCATAGGTATTATTGAGACTGGGATTCACTGGTCCAAAGGTGCCAGAG[G>A]GCTCAGACCCAGAGTAGCAAGGAGTCAGTAATCCAGGGATACCTAAGCCAAGAGAAAACC-3'
Protein context (NP_000511.2, residues 273-293): LLTPCYSGSE[Pro283Leu]SGTFGPVNPS

ClinVar aggregate classification (germline): Uncertain significance (1 of 4 stars; one submission).

Conditions:
Tay-Sachs disease (TSD). Also called: HEXA Disorders; HEXA DEFICIENCY; GM2 gangliosidosis, type 1; Hexosaminidase alpha-subunit deficiency (variant B); Sphingolipidosis, Tay-Sachs; Hexosaminidase A Deficiency. Identifiers: Orphanet 845, MedGen C0039373, MONDO:0010100, OMIM 272800.

Allele frequency attached by ClinVar (database versions not stated): gnomAD 0.00001; TOPMed below 0.00001.
gnomAD v4.1: 1 of 1,613,974 alleles (0.000062%); highest among the groups gnomAD compares: African/African-American, 0.0013%; no homozygotes.

Submission:

Labcorp Genetics (formerly Invitae), Labcorp
Classification: Uncertain significance for Tay-Sachs disease. Last evaluated: 2022-12-18. Review status: criteria provided, single submitter. Criteria: Invitae Variant Classification Sherloc (09022015). Collection method: clinical testing. Allele origin: germline.
Comment: This sequence change replaces proline, which is neutral and non-polar, with leucine, which is neutral and non-polar, at codon 283 of the HEXA protein (p.Pro283Leu). This variant is not present in population databases (gnomAD no frequency). This variant has not been reported in the literature in individuals affected with HEXA-related conditions. Advanced modeling of protein sequence and biophysical properties (such as structural, functional, and spatial information, amino acid conservation, physicochemical variation, residue mobility, and thermodynamic stability) performed at Invitae indicates that this missense variant is not expected to disrupt HEXA protein function. In summary, the available evidence is currently insufficient to determine the role of this variant in disease. Therefore, it has been classified as a Variant of Uncertain Significance.